The following is an entry in ClinVar:

NM_001754.5(RUNX1):c.46_47del (p.Cys16fs)

Gene: RUNX1 (RUNX family transcription factor 1; minus strand). Cytogenetic location: 21q22.12.
Variant type: Deletion.
Coding change: c.46_47del on transcript NM_001754.5 (MANE Select); coding-DNA positions 46 to 47, 2 bases deleted (TG; older notation c.46_47delTG).
Protein change: p.Cys16fs; shifts the reading frame from cysteine 16.
Molecular consequence: frameshift variant.
Genome position (GRCh38, 1-based): chr21:35,048,853-35,048,854, CA deleted on the plus strand (TG on the coding strand, the reverse complement: RUNX1 is on the minus strand); deleting any 2 consecutive bases within chr21:35,048,853-35,048,855 gives the same sequence; the c. name uses the placement nearest the transcript's 3' end. VCF-style (leftmost placement, unchanged base first): chr21-35048852-GCA-G. GRCh37 (hg19) VCF-style: chr21-36421149-GCA-G.
Other names: NM_001754.5(RUNX1):c.46_47del; p.Cys16fs; short protein forms C16fs.
Identifiers: ClinVar variation 1457387 (VCV001457387.7), dbSNP rs2147041720, ClinGen allele CA2573157358.
Genomic context (GRCh38, chr21:35,048,852, plus strand): 5'-ACAGGCAAAGCTGAGCAAAAGTAGATATTACAAGACCAGCATGTACTCACCTCTCATGAA[GCA>G]CTGTGGGTACGAAGGAAATGACTCAAATATGCTGTCTGAAGCCATCGCTTCCTCCTGAAA-3'

ClinVar aggregate classification (germline): Uncertain significance. Review status: reviewed by expert panel (3 of 4 stars). 2 submissions from 2 submitters: Uncertain significance (1). 1 of the submissions does not count toward it. Last evaluated 2024-09-25.

Conditions:
Hereditary thrombocytopenia and hematological cancer predisposition syndrome associated with RUNX1. Also called: Familial Platelet Disorder with Propensity to Acute Myelogenous Leukemia; Familial thrombocytopenia with propensity to acute myelogenous leukemia; RUNX1 Familial Platelet Disorder with Associated Myeloid Malignancies; PLATELET DISORDER, ASPIRIN-LIKE. Identifiers: Orphanet 71290, MedGen C1832388, MeSH C563324, MONDO:0100083, OMIM 601399.

Submissions (2):

ClinGen Myeloid Malignancy Variant Curation Expert Panel
Classification: Uncertain significance for Hereditary thrombocytopenia and hematological cancer predisposition syndrome associated with RUNX1. Last evaluated: 2024-09-25. Review status: reviewed by expert panel. Criteria: ClinGen MyeloMalig ACMG Specifications v2. Collection method: curation. Allele origin: germline. Inheritance: Autosomal dominant inheritance.
Comment: NM_001754.5(RUNX1):c.46_47del (p.Cys16LeufsTer13) is a frameshift variant which is completely absent from all population databases with at least 20x coverage for RUNX1 (PM2_supporting). PVS1 was not applied because this variant is not present in all biologically relevant isoforms. In summary, the clinical significance of this variant is uncertain. ACMG/AMP criteria applied, as specified by the Myeloid Malignancy Variant Curation Expert Panel for RUNX1: PM2_supporting.

Labcorp Genetics (formerly Invitae), Labcorp
Classification: Uncertain significance for Hereditary thrombocytopenia and hematological cancer predisposition syndrome associated with RUNX1. Last evaluated: 2022-06-16. Review status: criteria provided, single submitter. Criteria: Invitae Variant Classification Sherloc (09022015). Collection method: clinical testing. Allele origin: germline. Not counted in ClinVar's aggregate classification.
Comment: In summary, the available evidence is currently insufficient to determine the role of this variant in disease. Therefore, it has been classified as a Variant of Uncertain Significance. Algorithms developed to predict the effect of sequence changes on RNA splicing suggest that this variant may create or strengthen a splice site. This variant has not been reported in the literature in individuals affected with RUNX1-related conditions. This variant is not present in population databases (gnomAD no frequency). This sequence change creates a premature translational stop signal (p.Cys16Leufs*13) in the RUNX1 gene. However, it is currently unclear if variants that occur in this region of the gene cause disease.